The following is an entry in ClinVar:

ClinVar aggregate classification (germline): Likely benign (1 of 4 stars; one submission).

Allele frequency attached by ClinVar (database versions not stated): gnomAD exomes 0.00003; ExAC 0.00013; 1000 Genomes Project 30x 0.00031; gnomAD 0.00038; 1000 Genomes Project 0.00040; TOPMed 0.00042; ESP Exome Variant Server 0.00054.
gnomAD v4.1: 100 of 1,605,258 alleles (0.0062%); highest among the groups gnomAD compares: African/African-American, 0.13%; no homozygotes.

Submission:

CeGaT Center for Human Genetics Tuebingen
Classification: Likely benign. Last evaluated: 2022-12-01. Review status: criteria provided, single submitter. Criteria: CeGaT Center For Human Genetics Tuebingen Variant Classification Criteria Version 2. Collection method: clinical testing. Allele origin: germline. Affected: yes. Observed: 1 variant allele.
Comment: TJP3: BP4, BP7

NM_001267560.2(TJP3):c.1785C>T (p.Leu595=)

Gene: TJP3 (tight junction protein 3; plus strand). Cytogenetic location: 19p13.3.
Variant type: single nucleotide variant.
Coding change: c.1785C>T on transcript NM_001267560.2 (MANE Select); coding-DNA position 1785, C replaced by T.
Protein change: p.Leu595=; no amino-acid change (leucine 595 retained).
Molecular consequence: synonymous variant.
Genome position (GRCh38, 1-based): chr19:3,740,705, C>T. VCF-style: chr19-3740705-C-T. GRCh37 (hg19) VCF-style: chr19-3740703-C-T.
Other names: c.1812C>T, p.Leu604= (NM_001267561.2).
Identifiers: ClinVar variation 2649009 (VCV002649009.24), dbSNP rs146385150, ClinGen allele CA9083663.